The following is an entry in ClinVar:

ClinVar aggregate classification (germline): Pathogenic (1 of 4 stars; one submission).

Submission:

Labcorp Genetics (formerly Invitae), Labcorp
Classification: Pathogenic. Last evaluated: 2022-12-21. Review status: criteria provided, single submitter. Criteria: Invitae Variant Classification Sherloc (09022015). Collection method: clinical testing. Allele origin: unknown.
Comment: This variant has not been reported in the literature in individuals affected with CNGB3-related conditions. For these reasons, this variant has been classified as Pathogenic. This variant disrupts a region of the CNGB3 protein in which other variant(s) (p.Tyr483Asp) have been determined to be pathogenic (PMID: 28795510). This suggests that this is a clinically significant region of the protein, and that variants that disrupt it are likely to be disease-causing. This variant is a gross deletion of the genomic region encompassing exon(s) 12-13 of the CNGB3 gene. This variant would be expected to be in-frame, preserving the integrity of the reading frame.

Literature cited by the submitters: PubMed 28795510.

NC_000008.10:g.(?_87638191)_(87641326_?)del

Gene: CNGB3 (cyclic nucleotide gated channel subunit beta 3; minus strand). Cytogenetic location: 8q21.3.
Variant type: Deletion.
Identifiers: ClinVar variation 3245585 (VCV003245585.1).